The following is an entry in ClinVar:

ClinVar aggregate classification (germline): Uncertain significance. Review status: criteria provided, multiple submitters, no conflicts (2 of 4 stars). 3 submissions from 3 submitters: Uncertain significance (3). Last evaluated 2026-04-03.

Conditions:
IKZF1-related disorder. Also called: IKZF1-related condition.
Pancytopenia due to IKZF1 mutations. Also called: Immunodeficiency, common variable, 13. Identifiers: Orphanet 317473, MedGen C4225173, MONDO:0014810, OMIM 616873.

Allele frequency attached by ClinVar (database versions not stated): ExAC 0.00004; TOPMed 0.00006; gnomAD 0.00007.
gnomAD v4.1: 23 of 1,561,522 alleles (0.0015%); highest among the groups gnomAD compares: African/African-American, 0.026%; no homozygotes.

Submissions (3):

PreventionGenetics, part of Exact Sciences
Classification: Uncertain significance for IKZF1-related condition. Last evaluated: 2026-04-03. Review status: criteria provided, single submitter. Criteria: ACMG Guidelines, 2015. Collection method: clinical testing. Allele origin: germline.
Comment: The IKZF1 c.1076C>T variant is predicted to result in the amino acid substitution p.Pro359Leu. To our knowledge, this variant has not been reported in the literature. This variant is reported in 0.018% of alleles in individuals of African descent in gnomAD, which may be too common to be causative. Although we suspect that this variant may be benign, at this time, the clinical significance of this variant is uncertain due to the absence of conclusive functional and genetic evidence.

Labcorp Genetics (formerly Invitae), Labcorp
Classification: Uncertain significance. Last evaluated: 2025-07-09. Review status: criteria provided, single submitter. Criteria: Invitae Variant Classification Sherloc (09022015). Collection method: clinical testing. Allele origin: germline.
Comment: This sequence change replaces proline, which is neutral and non-polar, with leucine, which is neutral and non-polar, at codon 359 of the IKZF1 protein (p.Pro359Leu). The frequency data for this variant in the population databases is considered unreliable, as metrics indicate poor data quality at this position in the gnomAD database. This variant has not been reported in the literature in individuals affected with IKZF1-related conditions. ClinVar contains an entry for this variant (Variation ID: 1342336). An algorithm developed to predict the effect of missense changes on protein structure and function (PolyPhen-2) suggests that this variant is likely to be tolerated. In summary, the available evidence is currently insufficient to determine the role of this variant in disease. Therefore, it has been classified as a Variant of Uncertain Significance.

New York Genome Center
Classification: Uncertain significance for Pancytopenia due to IKZF1 mutations. Last evaluated: 2021-03-26. Review status: criteria provided, single submitter. Criteria: NYGC Assertion Criteria 2020. Collection method: clinical testing. Allele origin: germline. Observed: 1 heterozygote. Study: CSER-NYCKidSeq.
Comment: The c.1076C>T, p.Pro359Leu missense variant identified in IKZF1 has not been reported in the literature. This variant has ten heterozygous alleles in the gnomADv3 database, indicating this is a rare variant. The substitution occurs at a position that is not highly conserved across species and in silico tools provide conflicting evidence of pathogenicity. Based on the available evidence, the missense variant c.1076C>T, p.Pro359Leu in the IKZF1 gene is classified as a Variant of Uncertain Significance.

NM_006060.6(IKZF1):c.1076C>T (p.Pro359Leu)

Gene: IKZF1 (IKAROS family zinc finger 1; plus strand). Cytogenetic location: 7p12.2.
Variant type: single nucleotide variant.
Coding change: c.1076C>T on transcript NM_006060.6 (MANE Select); coding-DNA position 1076, C replaced by T.
Protein change: p.Pro359Leu; replaces proline 359 with leucine.
Molecular consequence: missense variant.
Genome position (GRCh38, 1-based): chr7:50,400,143, C>T. VCF-style: chr7-50400143-C-T. GRCh37 (hg19) VCF-style: chr7-50467841-C-T.
Other names: c.950C>T, p.Pro317Leu (NM_001220765.3, NM_001291837.2); c.785C>T, p.Pro262Leu (NM_001220767.2); c.815C>T, p.Pro272Leu (NM_001220768.2, NM_001291838.2); c.659C>T, p.Pro220Leu (NM_001220770.2); c.647C>T, p.Pro216Leu (NM_001220771.2, NM_001291841.1); c.689C>T, p.Pro230Leu (NM_001291839.2); c.386C>T, p.Pro129Leu (NM_001291840.1); c.617C>T, p.Pro206Leu (NM_001291842.1); and 3 more; short protein forms P129L, P164L, P174L, P206L, P216L, P220L, P230L, P262L.
Identifiers: ClinVar variation 1342336 (VCV001342336.3), dbSNP rs752909152, ClinGen allele CA4261459.